The following is an entry in ClinVar:

NM_001129.5(AEBP1):c.1925T>C (p.Leu642Pro)

Gene: AEBP1 (AE binding protein 1; plus strand). Cytogenetic location: 7p13.
Variant type: single nucleotide variant.
Coding change: c.1925T>C on transcript NM_001129.5 (MANE Select); coding-DNA position 1925, T replaced by C.
Protein change: p.Leu642Pro; replaces leucine 642 with proline.
Molecular consequence: missense variant.
Genome position (GRCh38, 1-based): chr7:44,111,938, T>C. VCF-style: chr7-44111938-T-C. GRCh37 (hg19) VCF-style: chr7-44151537-T-C.
Other names: short protein forms L642P.
Identifiers: ClinVar variation 995972 (VCV000995972.4), dbSNP rs753531562, ClinGen allele CA4238055.
Genomic context (GRCh38, chr7:44,111,938, plus strand): 5'-CTGGGATCCATGGCAACGAGGTGCTGGGCCGAGAGCTGTTGCTGCTGCTCATGCAGTACC[T>C]GTGCCGAGAGTACCGCGATGGGAACCCACGTGTGCGCAGCCTGGTGCAGGACACACGCAT-3'
Protein context (NP_001120.3, residues 632-652): RELLLLLMQY[Leu642Pro]CREYRDGNPR

ClinVar aggregate classification (germline): Conflicting classifications of pathogenicity. Review status: criteria provided, conflicting classifications (1 of 4 stars). 2 submissions from 2 submitters: Pathogenic (1); Uncertain significance (1). Last evaluated 2025-12-22.

Conditions:
Ehlers-Danlos syndrome, classic type, 1 (EDSCL1). Also called: Ehlers-Danlos syndrome, type 1; EHLERS-DANLOS SYNDROME, GRAVIS TYPE; EHLERS-DANLOS SYNDROME, SEVERE CLASSIC TYPE; EDS I; Ehlers-Danlos Syndrome, Classic Type, COL5A1-Related. Identifiers: MedGen C0268335, MONDO:0019567, OMIM 130000.

Allele frequency attached by ClinVar (database versions not stated): ExAC 0.00001; gnomAD 0.00001; gnomAD exomes 0.00001; TOPMed below 0.00001.
gnomAD v4.1: 15 of 1,613,740 alleles (0.00093%); highest among the groups gnomAD compares: Admixed American, 0.0017%; no homozygotes.

Submissions (2):

Women's Health and Genetics/Laboratory Corporation of America, LabCorp
Classification: Uncertain significance. Last evaluated: 2025-12-22. Review status: criteria provided, single submitter. Criteria: LabCorp Variant Classification Summary - May 2015. Collection method: clinical testing. Allele origin: germline.
Comment: Variant summary: AEBP1 c.1925T>C (p.Leu642Pro) results in a non-conservative amino acid change in the encoded protein sequence. Algorithms developed to predict the effect of missense changes on protein structure and function are either unavailable or do not agree on the potential impact of this missense change. The variant allele was found at a frequency of 8e-06 in 250760 control chromosomes. c.1925T>C has been observed in individual(s) affected with Ehlers-Danlos syndrome, classic-like, 2 (Ritelli_2019). These data indicate that the variant may be associated with disease. To our knowledge, no experimental evidence demonstrating an impact on protein function has been reported. The following publication have been ascertained in the context of this evaluation (PMID: 30759870). ClinVar contains an entry for this variant (Variation ID: 995972). Based on the evidence outlined above, the variant was classified as VUS-possibly pathogenic.

Division of Biology and Genetics, University of Brescia
Classification: Pathogenic for Ehlers-Danlos syndrome, classic type, 1. Review status: criteria provided, single submitter. Criteria: ACMG Guidelines, 2015. Collection method: clinical testing. Allele origin: inherited. Inheritance: Autosomal recessive inheritance. Affected: yes. Observed: 1 variant allele, 1 homozygote.

Literature cited by the submitters: PubMed 30759870 (cited by Women's Health and Genetics/Laboratory Corporation of America, LabCorp and Division of Biology and Genetics, University of Brescia).